The following is an entry in ClinVar:

ClinVar aggregate classification (germline): Uncertain significance. Review status: criteria provided, multiple submitters, no conflicts (2 of 4 stars). 3 submissions from 3 submitters: Uncertain significance (3). Last evaluated 2024-11-26.

Conditions:
Inborn genetic diseases. Identifiers: MedGen C0950123, MeSH D030342.
Monocytopenia with susceptibility to infections. Also called: MONOCYTOPENIA AND MYCOBACTERIAL INFECTION SYNDROME; MONOCYTOPENIA WITH SUSCEPTIBILITY TO MYCOBACTERIAL, FUNGAL, AND PAPILLOMAVIRUS INFECTIONS AND MYELODYSPLASIA; COMBINED IMMUNODEFICIENCY WITH SUSCEPTIBILITY TO MYCOBACTERIAL, VIRAL, AND FUNGAL INFECTIONS; Dendritic cell, monocyte, B lymphocyte, and natural killer lymphocyte deficiency; IMMUNODEFICIENCY 21; GATA2 DEFICIENCY. Identifiers: Orphanet 228423, MedGen C3280030, MONDO:0013607, OMIM 614172.
Deafness-lymphedema-leukemia syndrome. Also called: Lymphedema, primary, with myelodysplasia; Emberger syndrome. Identifiers: Orphanet 3226, MedGen C3279664, MONDO:0013540, OMIM 614038.

Allele frequency attached by ClinVar (database versions not stated): gnomAD exomes below 0.00001 and 0.00001.
gnomAD v4.1: 12 of 1,614,018 alleles (0.00074%); highest among the groups gnomAD compares: Non-Finnish European, 0.001%; no homozygotes.

Submissions (3):

Ambry Genetics
Classification: Uncertain significance for Inborn genetic diseases. Last evaluated: 2024-11-26. Review status: criteria provided, single submitter. Criteria: Ambry Variant Classification Scheme 2023. Collection method: clinical testing. Allele origin: germline.
Comment: The p.S182P variant (also known as c.544T>C), located in coding exon 2 of the GATA2 gene, results from a T to C substitution at nucleotide position 544. The serine at codon 182 is replaced by proline, an amino acid with similar properties. This amino acid position is conserved. In addition, this alteration is predicted to be deleterious by in silico analysis. Based on the available evidence, the clinical significance of this variant remains unclear.

Labcorp Genetics (formerly Invitae), Labcorp
Classification: Uncertain significance for Monocytopenia with susceptibility to infections; Deafness-lymphedema-leukemia syndrome. Last evaluated: 2024-04-29. Review status: criteria provided, single submitter. Criteria: Invitae Variant Classification Sherloc (09022015). Collection method: clinical testing. Allele origin: germline.
Comment: This sequence change replaces serine, which is neutral and polar, with proline, which is neutral and non-polar, at codon 182 of the GATA2 protein (p.Ser182Pro). This variant is present in population databases (no rsID available, gnomAD 0.0009%). This variant has not been reported in the literature in individuals affected with GATA2-related conditions. ClinVar contains an entry for this variant (Variation ID: 964824). Advanced modeling of protein sequence and biophysical properties (such as structural, functional, and spatial information, amino acid conservation, physicochemical variation, residue mobility, and thermodynamic stability) has been performed at Invitae for this missense variant, however the output from this modeling did not meet the statistical confidence thresholds required to predict the impact of this variant on GATA2 protein function. In summary, the available evidence is currently insufficient to determine the role of this variant in disease. Therefore, it has been classified as a Variant of Uncertain Significance.

GeneDx
Classification: Uncertain significance. Last evaluated: 2024-03-01. Review status: criteria provided, single submitter. Criteria: GeneDx Variant Classification Process June 2021. Collection method: clinical testing. Allele origin: germline. Affected: yes.
Comment: Not observed at significant frequency in large population cohorts (gnomAD); In silico analysis supports that this missense variant has a deleterious effect on protein structure/function; Has not been previously published as pathogenic or benign to our knowledge

NM_032638.5(GATA2):c.544T>C (p.Ser182Pro)

Gene: GATA2 (GATA binding protein 2; minus strand). Cytogenetic location: 3q21.3.
Variant type: single nucleotide variant.
Coding change: c.544T>C on transcript NM_032638.5 (MANE Select); coding-DNA position 544, T replaced by C.
Protein change: p.Ser182Pro; replaces serine 182 with proline.
Molecular consequence: missense variant.
Genome position (GRCh38, 1-based): chr3:128,486,054, A>G on the plus strand (T>C on the coding strand, the complement: GATA2 is on the minus strand). VCF-style: chr3-128486054-A-G. GRCh37 (hg19) VCF-style: chr3-128204897-A-G.
Other names: c.544T>C, p.Ser182Pro (NM_001145661.2, NM_001145662.1); short protein forms S182P.
Identifiers: ClinVar variation 964824 (VCV000964824.9), dbSNP rs1294359651, ClinGen allele CA354406549.